The following is an entry in ClinVar:

NM_000492.4(CFTR):c.1210-34TG[9]

Genes: CFTR (CF transmembrane conductance regulator; plus strand), CFTR-AS1 (CFTR antisense RNA 1; minus strand). Cytogenetic location: 7q31.2.
Variant type: Microsatellite.
Coding change: c.1210-34TG[9] on transcript NM_000492.4 (MANE Select); nine copies in a row of the 2-base unit TG starting at c.1210-34.
Molecular consequence: intron variant.
Genome position: GRCh38 VCF-style: chr7-117548606-ATGTG-A. GRCh37 (hg19) VCF-style: chr7-117188660-ATGTG-A.
Other names: c.1210-15_1210-12delGTGT (NM_000492.3).
Identifiers: ClinVar variation 439490 (VCV000439490.21), dbSNP rs3832534, ClinGen allele CA4450935.

ClinVar aggregate classification (germline): Benign. Review status: criteria provided, multiple submitters, no conflicts (2 of 4 stars). 4 submissions from 4 submitters: Benign (3). 1 of the submissions does not count toward it. Last evaluated 2025-03-03.

Conditions:
CFTR-related disorder (CFTR-RD). Also called: CFTR-related condition; CFTR-related disorders. Identifiers: MedGen C5924204, MONDO:7770004.
Cystic fibrosis (CF). Also called: MUCOVISCIDOSIS. Identifiers: Orphanet 586, MedGen C0010674, MONDO:0009061, OMIM 219700. Disease mechanism: loss of function.

Submissions (4):

ARUP Laboratories, Molecular Genetics and Genomics, ARUP Laboratories
Classification: Benign. Last evaluated: 2025-03-03. Review status: criteria provided, single submitter. Criteria: ARUP Molecular Germline Variant Investigation Process 2024. Collection method: clinical testing. Allele origin: germline.

Labcorp Genetics (formerly Invitae), Labcorp
Classification: Benign for Cystic fibrosis. Last evaluated: 2021-11-19. Review status: criteria provided, single submitter. Criteria: Invitae Variant Classification Sherloc (09022015). Collection method: clinical testing. Allele origin: germline.

CFTR-France
Classification: Benign for cystic fibrosis. Last evaluated: 2018-01-29. Review status: criteria provided, single submitter. Criteria: Claustres M et al. (Hum Mutat 2017). Collection method: curation. Allele origin: germline. Affected: no.
Comment: the variant does not result in CFTR-RD neither

PreventionGenetics, part of Exact Sciences
Classification: Likely benign for CFTR-related condition. Last evaluated: 2021-03-04. Review status: no assertion criteria provided. Collection method: clinical testing. Allele origin: germline. Not counted in ClinVar's aggregate classification.
Comment: This variant is classified as likely benign based on ACMG/AMP sequence variant interpretation guidelines (Richards et al. 2015 PMID: 25741868, with internal and published modifications).